The following is an entry in ClinVar:

NM_001458.5(FLNC):c.4456+1G>T

Gene: FLNC (filamin C; plus strand). Cytogenetic location: 7q32.1.
Variant type: single nucleotide variant.
Coding change: c.4456+1G>T on transcript NM_001458.5 (MANE Select); the canonical splice donor site of the intron after coding-DNA position 4456, G replaced by T.
Molecular consequence: splice donor variant.
Genome position (GRCh38, 1-based): chr7:128,847,865, G>T. VCF-style: chr7-128847865-G-T. GRCh37 (hg19) VCF-style: chr7-128487919-G-T.
Other names: c.4456+1G>T (NM_001127487.2).
Identifiers: ClinVar variation 2450899 (VCV002450899.2), dbSNP rs1318885805, ClinGen allele CA369201725.

ClinVar aggregate classification (germline): Uncertain significance (1 of 4 stars; one submission).

Conditions:
Cardiovascular phenotype. Identifiers: MedGen CN230736.

Allele frequency attached by ClinVar (database versions not stated): gnomAD exomes below 0.00001; TOPMed below 0.00001; gnomAD 0.00001.
gnomAD v4.1: 2 of 1,613,620 alleles (0.00012%); highest among the groups gnomAD compares: Non-Finnish European, 0.000085%; no homozygotes.

Submission:

Ambry Genetics
Classification: Uncertain significance for Cardiovascular phenotype. Last evaluated: 2023-02-22. Review status: criteria provided, single submitter. Criteria: Ambry Variant Classification Scheme 2023. Collection method: clinical testing. Allele origin: germline.
Comment: The c.4456+1G>T intronic variant results from a G to T substitution one nucleotide after coding exon 25 of the FLNC gene. Alterations that disrupt the canonical splice site are expected to result in aberrant splicing. In silico splice site analysis predicts that this alteration will weaken the native splice donor site. The resulting transcript is predicted to be in-frame and is not expected to trigger nonsense-mediated mRNAdecay; however, direct evidence is unavailable. The exact functional effect of the altered amino acid sequence is unknown. This nucleotide position is highly conserved in available vertebrate species. Since supporting evidence is limited at this time, the clinical significance of this alteration remains unclear.